The following is an entry in ClinVar:

ClinVar aggregate classification (germline): Uncertain significance (1 of 4 stars; one submission).

gnomAD v4.1: 1 of 1,614,138 alleles (0.000062%); highest among the groups gnomAD compares: Non-Finnish European, 0.000085%; no homozygotes.

Submission:

Labcorp Genetics (formerly Invitae), Labcorp
Classification: Uncertain significance. Last evaluated: 2024-10-17. Review status: criteria provided, single submitter. Criteria: Invitae Variant Classification Sherloc (09022015). Collection method: clinical testing. Allele origin: germline.
Comment: This sequence change replaces glutamine, which is neutral and polar, with arginine, which is basic and polar, at codon 103 of the LBR protein (p.Gln103Arg). This variant is not present in population databases (gnomAD no frequency). This variant has not been reported in the literature in individuals affected with LBR-related conditions. Invitae Evidence Modeling of protein sequence and biophysical properties (such as structural, functional, and spatial information, amino acid conservation, physicochemical variation, residue mobility, and thermodynamic stability) indicates that this missense variant is not expected to disrupt LBR protein function with a negative predictive value of 95%. In summary, the available evidence is currently insufficient to determine the role of this variant in disease. Therefore, it has been classified as a Variant of Uncertain Significance.

NM_002296.4(LBR):c.308A>G (p.Gln103Arg)

Gene: LBR (lamin B receptor; minus strand). Cytogenetic location: 1q42.12.
Variant type: single nucleotide variant.
Coding change: c.308A>G on transcript NM_002296.4 (MANE Select); coding-DNA position 308, A replaced by G.
Protein change: p.Gln103Arg; replaces glutamine 103 with arginine.
Molecular consequence: missense variant.
Genome position (GRCh38, 1-based): chr1:225,422,135, T>C on the plus strand (A>G on the coding strand, the complement: LBR is on the minus strand). VCF-style: chr1-225422135-T-C. GRCh37 (hg19) VCF-style: chr1-225609837-T-C.
Other names: c.308A>G, p.Gln103Arg (NM_194442.3); short protein forms Q103R.
Identifiers: ClinVar variation 3633772 (VCV003633772.2).